The following is an entry in ClinVar:

ClinVar aggregate classification (germline): Pathogenic (1 of 4 stars; one submission).

Conditions:
Hereditary cancer-predisposing syndrome. Also called: Neoplastic Syndromes, Hereditary; Tumor predisposition; Hereditary Cancer Syndrome; Hereditary neoplastic syndrome. Identifiers: Orphanet 140162, MedGen C0027672, MeSH D009386, MONDO:0015356.

Submission:

Ambry Genetics
Classification: Pathogenic for Hereditary cancer-predisposing syndrome. Last evaluated: 2022-01-13. Review status: criteria provided, single submitter. Criteria: Ambry Variant Classification Scheme 2023. Collection method: clinical testing. Allele origin: germline.
Comment: The c.9105_9106delTCinsCAAAAAA pathogenic mutation, located in coding exon 22 of the BRCA2 gene, results from the deletion of two nucleotides and insertion of 7 nucleotides causing a translational frameshift with a predicted alternate stop codon (p.Q3036Kfs*28). This alteration is expected to result in loss of function by premature protein truncation or nonsense-mediated mRNA decay. As such, this alteration is interpreted as a disease-causing mutation.

NM_000059.4(BRCA2):c.9105_9106delinsCAAAAAA (p.Gln3036fs)

Gene: BRCA2 (BRCA2 DNA repair associated; plus strand). Cytogenetic location: 13q13.1.
Variant type: Indel.
Coding change: c.9105_9106delinsCAAAAAA on transcript NM_000059.4 (MANE Select); coding-DNA positions 9105 to 9106, TC replaced by CAAAAAA.
Protein change: p.Gln3036fs; shifts the reading frame from glutamine 3036.
Molecular consequence: frameshift variant.
Genome position (GRCh38, 1-based): chr13:32,379,901-32,379,902, TC replaced by CAAAAAA. VCF-style: chr13-32379901-TC-CAAAAAA. GRCh37 (hg19) VCF-style: chr13-32954038-TC-CAAAAAA.
Other names: c.9009_9010delTCinsCAAAAAA, p.Gln3004Lysfs (NM_001406719.1); c.9054_9055delTCinsCAAAAAA, p.Gln3019Lysfs (NM_001406720.1); c.4173_4174delTCinsCAAAAAA, p.Gln1392Lysfs (NM_001406721.1); c.2688_2689delTCinsCAAAAAA, p.Gln897Lysfs (NM_001406722.1); short protein forms Q3036fs.
Identifiers: ClinVar variation 1765827 (VCV001765827.2), dbSNP rs2548555876, ClinGen allele CA2580087498.